The following is an entry in ClinVar:

NM_004979.6(KCND1):c.1468-8G>T

Gene: KCND1 (potassium voltage-gated channel subfamily D member 1; minus strand). Cytogenetic location: Xp11.23.
Variant type: single nucleotide variant.
Coding change: c.1468-8G>T on transcript NM_004979.6 (MANE Select); 8 bases into the intron before coding-DNA position 1468, G replaced by T.
Molecular consequence: intron variant.
Genome position (GRCh38, 1-based): chrX:48,966,313, C>A on the plus strand (G>T on the coding strand, the complement: KCND1 is on the minus strand). VCF-style: chrX-48966313-C-A. GRCh37 (hg19) VCF-style: chrX-48822720-C-A.
Identifiers: ClinVar variation 599560 (VCV000599560.7), dbSNP rs376253982, ClinGen allele CA10406730.

ClinVar aggregate classification (germline): Likely benign. Review status: criteria provided, single submitter (1 of 4 stars). 2 submissions from 2 submitters: Likely benign (1). 1 of the submissions does not count toward it. Last evaluated 2025-10-01.

Conditions:
Short stature. Identifiers: MedGen C0349588, HP:0004322.

Allele frequency attached by ClinVar (database versions not stated): TOPMed 0.00014; ExAC 0.00015; gnomAD exomes 0.00020 and 0.00028; gnomAD 0.00021 and 0.00022; ESP Exome Variant Server 0.00029.

Submissions (2):

CeGaT Center for Human Genetics Tuebingen
Classification: Likely benign. Last evaluated: 2025-10-01. Review status: criteria provided, single submitter. Criteria: CeGaT Center For Human Genetics Tuebingen Variant Classification Criteria Version 2. Collection method: clinical testing. Allele origin: germline. Affected: yes. Observed: 1 variant allele.
Comment: KCND1: BP4

Institute of Human Genetics, FAU Erlangen, Friedrich-Alexander-Universität Erlangen-Nürnberg
Classification: Likely pathogenic for Short stature. Last evaluated: 2001-11-18. Review status: no assertion criteria provided. Collection method: case-control. Allele origin: maternal. Affected: yes. Not counted in ClinVar's aggregate classification.